The following is an entry in ClinVar:

ClinVar aggregate classification (germline): Uncertain significance (1 of 4 stars; one submission).

Conditions:
Neurofibromatosis, type 1 (NF1). Also called: VON RECKLINGHAUSEN DISEASE; Neurofibromatosis, type I; NEUROFIBROMATOSIS, TYPE I, SOMATIC; Peripheral type neurofibromatosis. Identifiers: Orphanet 636, MedGen C0027831, MONDO:0018975, OMIM 162200. Disease mechanism: loss of function.

Submission:

Labcorp Genetics (formerly Invitae), Labcorp
Classification: Uncertain significance for Neurofibromatosis, type 1. Last evaluated: 2023-09-27. Review status: criteria provided, single submitter. Criteria: Invitae Variant Classification Sherloc (09022015). Collection method: clinical testing. Allele origin: germline.
Comment: This sequence change replaces leucine, which is neutral and non-polar, with arginine, which is basic and polar, at codon 1525 of the NF1 protein (p.Leu1525Arg). This variant is not present in population databases (gnomAD no frequency). This variant has not been reported in the literature in individuals affected with NF1-related conditions. Advanced modeling of protein sequence and biophysical properties (such as structural, functional, and spatial information, amino acid conservation, physicochemical variation, residue mobility, and thermodynamic stability) performed at Invitae indicates that this missense variant is expected to disrupt NF1 protein function. In summary, the available evidence is currently insufficient to determine the role of this variant in disease. Therefore, it has been classified as a Variant of Uncertain Significance.

NM_001042492.3(NF1):c.4637T>G (p.Leu1546Arg)

Gene: NF1 (neurofibromin 1; plus strand). Cytogenetic location: 17q11.2.
Variant type: single nucleotide variant.
Coding change: c.4637T>G on transcript NM_001042492.3 (MANE Select); coding-DNA position 4637, T replaced by G.
Protein change: p.Leu1546Arg; replaces leucine 1546 with arginine.
Molecular consequence: missense variant.
Genome position (GRCh38, 1-based): chr17:31,261,770, T>G. VCF-style: chr17-31261770-T-G. GRCh37 (hg19) VCF-style: chr17-29588788-T-G.
Other names: c.4574T>G, p.Leu1525Arg (NM_000267.4); short protein forms L1525R, L1546R.
Identifiers: ClinVar variation 2763887 (VCV002763887.3), dbSNP rs876660760, ClinGen allele CA399000309.
Genomic context (GRCh38, chr17:31,261,770, plus strand): 5'-GGGATCATAAAGCTGTTGGAAGACGACCTTTTGATAAGATGGCAACACTTCTTGCATACC[T>G]GGGTCCTCCAGAGCACAAACCTGTGGCAGATACACACTGGTCCAGCCTTAACCTTACCAG-3'
Protein context (NP_001035957.1, residues 1536-1556): FDKMATLLAY[Leu1546Arg]GPPEHKPVAD